The following is an entry in ClinVar:

ClinVar aggregate classification (germline): Uncertain significance. Review status: criteria provided, multiple submitters, no conflicts (2 of 4 stars). 2 submissions from 2 submitters: Uncertain significance (2). Last evaluated 2026-01-05.

Allele frequency attached by ClinVar (database versions not stated): gnomAD exomes 0.00039; ExAC 0.00100.
gnomAD v4.1: 740 of 1,457,992 alleles (0.051%); highest among the groups gnomAD compares: Middle Eastern, 0.29%; 1 homozygote.

Submissions (2):

Labcorp Genetics (formerly Invitae), Labcorp
Classification: Uncertain significance. Last evaluated: 2026-01-05. Review status: criteria provided, single submitter. Criteria: Invitae Variant Classification Sherloc (09022015). Collection method: clinical testing. Allele origin: germline.
Comment: This sequence change replaces valine, which is neutral and non-polar, with leucine, which is neutral and non-polar, at codon 590 of the TNS2 protein (p.Val590Leu). This variant is present in population databases (rs763260776, gnomAD 0.08%), and has an allele count higher than expected for a pathogenic variant. This variant has not been reported in the literature in individuals affected with TNS2-related conditions. ClinVar contains an entry for this variant (Variation ID: 1481845). An algorithm developed to predict the effect of missense changes on protein structure and function outputs the following: PolyPhen-2: "Benign". The leucine amino acid residue is found in multiple mammalian species, which suggests that this missense change does not adversely affect protein function. In summary, the available evidence is currently insufficient to determine the role of this variant in disease. Therefore, it has been classified as a Variant of Uncertain Significance.

Breakthrough Genomics
Classification: Uncertain significance. Review status: criteria provided, single submitter. Criteria: ACMG Guidelines, 2015. Collection method: not provided. Allele origin: germline. Inheritance: Unknown mechanism. Affected: yes.

NM_170754.4(TNS2):c.1738G>C (p.Val580Leu)

Gene: TNS2 (tensin 2; plus strand). Cytogenetic location: 12q13.13.
Variant type: single nucleotide variant.
Coding change: c.1738G>C on transcript NM_170754.4 (MANE Select); coding-DNA position 1738, G replaced by C.
Protein change: p.Val580Leu; replaces valine 580 with leucine.
Molecular consequence: missense variant.
Genome position (GRCh38, 1-based): chr12:53,059,379, G>C. VCF-style: chr12-53059379-G-C. GRCh37 (hg19) VCF-style: chr12-53453163-G-C.
Other names: c.1738G>C, p.Val580Leu (NM_001416202.1); c.1696G>C, p.Val566Leu (NM_001416203.1); c.1765G>C, p.Val589Leu (NM_001416204.1); c.1669G>C, p.Val557Leu (NM_015319.3); c.1366G>C, p.Val456Leu (NM_198316.2); short protein forms V456L, V590L, V580L, V557L, V566L, V589L.
Identifiers: ClinVar variation 1481845 (VCV001481845.7), dbSNP rs763260776, ClinGen allele CA6592444.